The following is an entry in ClinVar:

NM_000038.6(APC):c.531+6T>C

Gene: APC (APC regulator of Wnt signaling pathway; plus strand). Cytogenetic location: 5q22.2.
Variant type: single nucleotide variant.
Coding change: c.531+6T>C on transcript NM_000038.6 (MANE Select); 6 bases into the intron after coding-DNA position 531, T replaced by C.
Molecular consequence: intron variant.
Genome position (GRCh38, 1-based): chr5:112,775,743, T>C. VCF-style: chr5-112775743-T-C. GRCh37 (hg19) VCF-style: chr5-112111440-T-C.
Other names: c.456+6T>C (NM_001354904.2, NM_001354898.2); c.-505+6T>C (NM_001354906.2); c.531+6T>C (NM_001354896.2, NM_001354903.2, NM_001354899.2 and 2 more transcripts); c.354+6T>C (NM_001354900.2, NM_001354901.2, NM_001354905.2); c.561+6T>C (NM_001354897.2, NM_001354902.2, NM_001127511.3).
Identifiers: ClinVar variation 576816 (VCV000576816.13), dbSNP rs1561478536, ClinGen allele CA891842591.

ClinVar aggregate classification (germline): Likely pathogenic. Review status: reviewed by expert panel (3 of 4 stars). 3 submissions from 3 submitters: Likely pathogenic (1). 2 of the submissions do not count toward it. Last evaluated 2025-05-16.

Conditions:
Hereditary cancer-predisposing syndrome. Also called: Tumor predisposition; Hereditary neoplastic syndrome; Hereditary Cancer Syndrome; Neoplastic Syndromes, Hereditary. Identifiers: Orphanet 140162, MedGen C0027672, MeSH D009386, MONDO:0015356.
Familial adenomatous polyposis 1 (FAP1). Also called: POLYPOSIS, ADENOMATOUS INTESTINAL; FAMILIAL ADENOMATOUS POLYPOSIS 1, ATTENUATED. Identifiers: MedGen C2713442, MONDO:0021056, OMIM 175100. Disease mechanism: loss of function.

Submissions (3):

ClinGen InSiGHT Hereditary Colorectal Cancer/Polyposis Variant Curation Expert Panel
Classification: Likely pathogenic for Familial adenomatous polyposis 1. Last evaluated: 2025-05-16. Review status: reviewed by expert panel. Criteria: ClinGen InSiGHT HCCP VCEP ACMG Specifications APC V1. Collection method: curation. Allele origin: germline. Inheritance: Autosomal dominant inheritance.
Comment: The NM_000038.6(APC):c.531+6T>C variant in APC is an intronic variant which is located at the 6th nucleotide in intron 5. This variant has been reported in 2 probands meeting phenotypic criteria, resulting in a total phenotype score of 2 (PS4_Moderate, Ambry Genetics, internal data). This variant is absent from gnomAD v2.1.1 (PM2_Supporting). The results from ≥ 2 in silico splicing predictors indicate that this variant may affect splicing by disrupting the donor splice site of intron 5 of APC (PP3). Capture-based RNA sequencing demonstrated that the variant impacts splicing by skipping of exon 5 resulting in a premature stop codon, r.423_531del109 (p.R141Sfs*8) (PS3_Moderate, Ambry internal data). In summary, this variant meets the criteria to be classified as Likely Pathogenic for autosomal-dominant inherited FAP based on the ACMG/AMP criteria applied, as specified by the ClinGen InSiGHT Hereditary Colorectal Cancer/Polyposis Variant Curation Expert Panel: criteria PS3_Moderate, PS4_Moderate, PM2_Supporting and PP3 applied (VCEP specifications version v2.0.3; date of approval 7/24/2023).

Ambry Genetics
Classification: Pathogenic for Hereditary cancer-predisposing syndrome. Last evaluated: 2025-08-11. Review status: criteria provided, single submitter. Criteria: Ambry Variant Classification Scheme 2023. Collection method: clinical testing. Allele origin: germline. Not counted in ClinVar's aggregate classification.
Comment: The c.531+6T>C intronic pathogenic mutation results from a T to C substitution 6 nucleotides after coding exon 4 in the APC gene. This alteration has been observed in multiple individuals with a personal and/or family history that is consistent with APC-related familial adenomatous polyposis (Ambry internal data). This variant is considered to be rare based on population cohorts in the Genome Aggregation Database (gnomAD). This nucleotide position is highly conserved in available vertebrate species. In silico splice site analysis predicts that this alteration will weaken the native splice donor site. RNA studies have demonstrated that this alteration results in abnormal splicing in the set of samples tested (Ambry internal data). Based on the supporting evidence, this variant is interpreted as a disease-causing mutation.

Labcorp Genetics (formerly Invitae), Labcorp
Classification: Uncertain significance for Familial adenomatous polyposis 1. Last evaluated: 2025-08-06. Review status: criteria provided, single submitter. Criteria: Invitae Variant Classification Sherloc (09022015). Collection method: clinical testing. Allele origin: germline. Not counted in ClinVar's aggregate classification.
Comment: This sequence change falls in intron 5 of the APC gene. It does not directly change the encoded amino acid sequence of the APC protein. It affects a nucleotide within the consensus splice site. This variant is not present in population databases (gnomAD no frequency). This variant has not been reported in the literature in individuals affected with APC-related conditions. ClinVar contains an entry for this variant (Variation ID: 576816). Variants that disrupt the consensus splice site are a relatively common cause of aberrant splicing (PMID: 17576681, 9536098). Algorithms developed to predict the effect of sequence changes on RNA splicing suggest that this variant may disrupt the consensus splice site. In summary, the available evidence is currently insufficient to determine the role of this variant in disease. Therefore, it has been classified as a Variant of Uncertain Significance.

Literature cited by the submitters: PubMed 15459959 (cited by Ambry Genetics); PubMed 19196998 (cited by Ambry Genetics); PubMed 22987206 (cited by Ambry Genetics); PubMed 17576681 (cited by Labcorp Genetics (formerly Invitae), Labcorp); PubMed 9536098 (cited by Labcorp Genetics (formerly Invitae), Labcorp).